The following is an entry in ClinVar:

ClinVar aggregate classification (germline): Pathogenic. Review status: criteria provided, single submitter (1 of 4 stars). 4 submissions from 4 submitters: Pathogenic (1). 3 of the submissions do not count toward it. Last evaluated 2021-08-25.

Conditions:
Nephronophthisis. Also called: Juvenile Nephronophthisis. Identifiers: Orphanet 655, MedGen C0687120, MONDO:0019005, HP:0000090.
Nephronophthisis 4 (NPHP4). Also called: NEPHRONOPHTHISIS 4, JUVENILE. Identifiers: Orphanet 655, MedGen C1847013, MONDO:0011752, OMIM 606966.
Senior-Loken syndrome 4 (SLSN4). Identifiers: Orphanet 3156, MedGen C1846979, MONDO:0011756, OMIM 606996.

Allele frequency attached by ClinVar (database versions not stated): TOPMed below 0.00001; ExAC 0.00001; gnomAD exomes 0.00001; gnomAD 0.00003.
gnomAD v4.1: 30 of 1,613,960 alleles (0.0019%); highest among the groups gnomAD compares: East Asian, 0.011%; no homozygotes.

Submissions (4):

Labcorp Genetics (formerly Invitae), Labcorp
Classification: Pathogenic for Nephronophthisis. Last evaluated: 2021-08-25. Review status: criteria provided, single submitter. Criteria: Invitae Variant Classification Sherloc (09022015). Collection method: clinical testing. Allele origin: germline.
Comment: This variant is present in population databases (rs137852923, ExAC 0.006%). This sequence change creates a premature translational stop signal (p.Arg658*) in the NPHP4 gene. It is expected to result in an absent or disrupted protein product. Loss-of-function variants in NPHP4 are known to be pathogenic (PMID: 12205563, 23559409). This premature translational stop signal has been observed in individual(s) with nephronophthisis (PMID: 12205563). It has also been observed to segregate with disease in related individuals. For these reasons, this variant has been classified as Pathogenic. ClinVar contains an entry for this variant (Variation ID: 3405).

Bioscientia Institut fuer Medizinische Diagnostik GmbH, Sonic Healthcare
Classification: Pathogenic for Nephronophthisis 4. Last evaluated: 2018-08-16. Review status: no assertion criteria provided. Collection method: clinical testing. Allele origin: germline. Affected: yes. Not counted in ClinVar's aggregate classification.

OMIM
Classification: Pathogenic for SENIOR-LOKEN SYNDROME 4. Last evaluated: 2002-11-01. Review status: no assertion criteria provided. Collection method: literature only. Allele origin: germline. Not counted in ClinVar's aggregate classification.

GeneReviews
No classification provided. Condition: Nephronophthisis. Review status: no classification provided. Collection method: literature only. Allele origin: germline. Affected: yes. Not counted in ClinVar's aggregate classification.

Literature cited by the submitters: PubMed 12205563 (cited by 3 submitters); PubMed 23559409 (cited by Labcorp Genetics (formerly Invitae), Labcorp); PubMed 1248184 (cited by OMIM); NCBI Bookshelf NBK368475 (cited by GeneReviews).

NM_015102.5(NPHP4):c.1972C>T (p.Arg658Ter)

Gene: NPHP4 (nephrocystin 4; minus strand). Cytogenetic location: 1p36.31.
Variant type: single nucleotide variant.
Coding change: c.1972C>T on transcript NM_015102.5 (MANE Select); coding-DNA position 1972, C replaced by T.
Protein change: p.Arg658Ter; replaces arginine 658 with a stop codon.
Molecular consequence: nonsense. On other transcripts: non-coding transcript variant (1).
Genome position (GRCh38, 1-based): chr1:5,904,788, G>A on the plus strand (C>T on the coding strand, the complement: NPHP4 is on the minus strand). VCF-style: chr1-5904788-G-A. GRCh37 (hg19) VCF-style: chr1-5964848-G-A.
Other names: c.433C>T, p.Arg145Ter (NM_001291593.2); c.436C>T, p.Arg146Ter (NM_001291594.2); short protein forms R658*, R145*, R146*.
Identifiers: ClinVar variation 3405 (VCV000003405.12), dbSNP rs137852923, ClinGen allele CA116190.